The following is an entry in ClinVar:

ClinVar aggregate classification (germline): Uncertain significance. Review status: criteria provided, multiple submitters, no conflicts (2 of 4 stars). 4 submissions from 4 submitters: Uncertain significance (4). Last evaluated 2026-06-04.

Conditions:
Sick sinus syndrome 2, autosomal dominant (SSS2). Also called: ATRIAL FIBRILLATION WITH BRADYARRHYTHMIA; SINUS BRADYCARDIA SYNDROME, FAMILIAL, AUTOSOMAL DOMINANT; SINUS NODE DISEASE, FAMILIAL, AUTOSOMAL DOMINANT; SICK SINUS SYNDROME 2; SICK SINUS SYNDROME 2 WITH OR WITHOUT CARDIAC NONCOMPACTION AND/OR ASCENDING AORTA DILATION. Identifiers: Orphanet 166282, MedGen C1834144, MONDO:0008102, OMIM 163800.
Brugada syndrome 8 (BRGDA8). Identifiers: Orphanet 130, MedGen C2751083, MONDO:0013148, OMIM 613123.

Allele frequency attached by ClinVar (database versions not stated): TOPMed 0.00001.
gnomAD v4.1: 16 of 1,607,690 alleles (0.001%); highest among the groups gnomAD compares: Middle Eastern, 0.017%; no homozygotes.

Submissions (4):

GeneDx
Classification: Uncertain significance. Last evaluated: 2026-06-04. Review status: criteria provided, single submitter. Criteria: GeneDx Variant Classification Process June 2021. Collection method: clinical testing. Allele origin: germline.
Comment: In silico analysis suggests that this missense variant does not alter protein structure/function; Has not been previously published as pathogenic or benign to our knowledge

Labcorp Genetics (formerly Invitae), Labcorp
Classification: Uncertain significance for Brugada syndrome 8. Last evaluated: 2025-11-08. Review status: criteria provided, single submitter. Criteria: Invitae Variant Classification Sherloc (09022015). Collection method: clinical testing. Allele origin: germline.
Comment: This sequence change replaces valine, which is neutral and non-polar, with isoleucine, which is neutral and non-polar, at codon 772 of the HCN4 protein (p.Val772Ile). The frequency data for this variant in the population databases is considered unreliable, as metrics indicate poor data quality at this position in the gnomAD database. This variant has not been reported in the literature in individuals affected with HCN4-related conditions. ClinVar contains an entry for this variant (Variation ID: 887898). Invitae Evidence Modeling of protein sequence and biophysical properties (such as structural, functional, and spatial information, amino acid conservation, physicochemical variation, residue mobility, and thermodynamic stability) has been performed for this missense variant. However, the output from this modeling did not meet the statistical confidence thresholds required to predict the impact of this variant on HCN4 protein function. In summary, the available evidence is currently insufficient to determine the role of this variant in disease. Therefore, it has been classified as a Variant of Uncertain Significance.

Women's Health and Genetics/Laboratory Corporation of America, LabCorp
Classification: Uncertain significance. Last evaluated: 2024-12-13. Review status: criteria provided, single submitter. Criteria: LabCorp Variant Classification Summary - May 2015. Collection method: clinical testing. Allele origin: germline.
Comment: Variant summary: HCN4 c.2314G>A (p.Val772Ile) results in a conservative amino acid change in the encoded protein sequence. Four of five in-silico tools predict a benign effect of the variant on protein function. The variant allele was found at a frequency of 2.9e-05 in 244490 control chromosomes. The available data on variant occurrences in the general population are insufficient to allow any conclusion about variant significance. To our knowledge, no occurrence of c.2314G>A in individuals affected with Sick Sinus Syndrome 2 and no experimental evidence demonstrating its impact on protein function have been reported. ClinVar contains an entry for this variant (Variation ID: 887898). Based on the evidence outlined above, the variant was classified as uncertain significance.

Illumina Laboratory Services, Illumina
Classification: Uncertain significance for Sick sinus syndrome 2, autosomal dominant. Last evaluated: 2017-11-14. Review status: criteria provided, single submitter. Criteria: ICSL Variant Classification Criteria 13 December 2019. Collection method: clinical testing. Allele origin: germline.

NM_005477.3(HCN4):c.2314G>A (p.Val772Ile)

Gene: HCN4 (hyperpolarization activated cyclic nucleotide gated potassium channel 4; minus strand). Cytogenetic location: 15q24.1.
Variant type: single nucleotide variant.
Coding change: c.2314G>A on transcript NM_005477.3 (MANE Select); coding-DNA position 2314, G replaced by A.
Protein change: p.Val772Ile; replaces valine 772 with isoleucine.
Molecular consequence: missense variant.
Genome position (GRCh38, 1-based): chr15:73,323,779, C>T on the plus strand (G>A on the coding strand, the complement: HCN4 is on the minus strand). VCF-style: chr15-73323779-C-T. GRCh37 (hg19) VCF-style: chr15-73616120-C-T.
Other names: short protein forms V772I.
Identifiers: ClinVar variation 887898 (VCV000887898.10), dbSNP rs776635828, ClinGen allele CA7649046.
Genomic context (GRCh38, chr15:73,323,779, plus strand): 5'-CCACAGAAGTGGTGGCAGCGGCAGCCTGCAGTGGTGCCTGGATCAGCGGGGTCCAGATGA[C>T]GGGCGTGGGGGTTGGGGTGGCAGAGGCAGCAGCCTGGACGCGGTGCGCGCAGTGGGCCAT-3'
Protein context (NP_005468.1, residues 762-782): AASATPTPTP[Val772Ile]IWTPLIQAPL